The following is an entry in ClinVar:

NM_003721.4(RFXANK):c.338-25_338del

Gene: RFXANK (regulatory factor X associated ankyrin containing protein; plus strand). Cytogenetic location: 19p13.11.
Variant type: Deletion.
Coding change: c.338-25_338del on transcript NM_003721.4 (MANE Select); 25 bases into the intron before coding-DNA position 338 through coding-DNA position 338, 26 bases deleted (GGTATTGCCCGCCTCCTCCTGCCAGG).
Molecular consequence: splice acceptor variant.
Genome position (GRCh38, 1-based): chr19:19,197,496-19,197,521, GGTATTGCCCGCCTCCTCCTGCCAGG deleted. VCF-style (leftmost placement, unchanged base first): chr19-19197495-TGGTATTGCCCGCCTCCTCCTGCCAGG-T. GRCh37 (hg19) VCF-style: chr19-19308304-TGGTATTGCCCGCCTCCTCCTGCCAGG-T.
Other names: c.272-25_272del (NM_001278727.2, NM_001370234.1); c.269-25_269del (NM_134440.3, NM_001278728.2); c.335-25_335del (NM_001370235.1, NM_001370237.1, NM_001370236.1); c.338-25_338del (NM_001370238.1, NM_001370233.1); c.338-25_338delGGTATTGCCCGCCTCCTCCTGCCAGG (NM_003721.4).
Identifiers: ClinVar variation 1435455 (VCV001435455.20), dbSNP rs776752313, ClinGen allele CA9322706.
Genomic context (GRCh38, chr19:19,197,495, plus strand): 5'-AGCCCCCCACCTCGTCCCCATTTGGCAGCACTGGGGATAGGGGGCAGGGGTGCAGCCTGG[TGGTATTGCCCGCCTCCTCCTGCCAGG>T]TGACAACCTCGTCAACAAGCCAGACGAGCGCGGCTTCACCCCCCTCATCTGGGCCTCCGC-3'

ClinVar aggregate classification (germline): Pathogenic. Review status: criteria provided, multiple submitters, no conflicts (2 of 4 stars). 8 submissions from 8 submitters: Pathogenic (7). 1 of the submissions does not count toward it. Last evaluated 2025-12-30.

Conditions:
RFXANK-related disorder. Also called: RFXANK-related condition.
MHC class II deficiency. Also called: BLS, TYPE II; Bare lymphocyte syndrome 2. Identifiers: Orphanet 572, MedGen C5447452, MONDO:0008855.
MHC class II deficiency 2. Also called: Bare lymphocyte syndrome, type II, complementation group B. Identifiers: MedGen C1859535, MONDO:0971013, OMIM 620815.
MHC class II deficiency 1 (MHC2D1). Also called: BARE LYMPHOCYTE SYNDROME, TYPE II, COMPLEMENTATION GROUP A; Bare lymphocyte syndrome type 2, complementation group A; SCID, HLA CLASS II-NEGATIVE. Identifiers: MedGen C1859534, MONDO:0971005, OMIM 209920.

Allele frequency attached by ClinVar (database versions not stated): gnomAD exomes 0.00001 and 0.00003; gnomAD 0.00002; ExAC 0.00003; TOPMed 0.00003.

Submissions (8):

Labcorp Genetics (formerly Invitae), Labcorp
Classification: Pathogenic for MHC class II deficiency. Last evaluated: 2025-12-30. Review status: criteria provided, single submitter. Criteria: Invitae Variant Classification Sherloc (09022015). Collection method: clinical testing. Allele origin: germline.
Comment: This variant results in the deletion of part of exon 6 (c.338-25_338del) of the RFXANK gene. It is expected to disrupt RNA splicing. Variants that disrupt the donor or acceptor splice site typically lead to a loss of protein function (PMID: 16199547), and loss-of-function variants in RFXANK are known to be pathogenic (PMID: 10803838, 16166641, 21908431). This variant is present in population databases (rs776752313, gnomAD 0.02%). This variant has been observed in individual(s) with MHC class II deficiency (PMID: 10803838, 21908431, 22524894, 22863278). It is commonly reported in individuals of North African ancestry (PMID: 21908431). This variant is also known as I5E6-25_I5E6+1del and 752delG-25. ClinVar contains an entry for this variant (Variation ID: 1435455). For these reasons, this variant has been classified as Pathogenic.

CeGaT Center for Human Genetics Tuebingen
Classification: Pathogenic. Last evaluated: 2025-08-01. Review status: criteria provided, single submitter. Criteria: CeGaT Center For Human Genetics Tuebingen Variant Classification Criteria Version 2. Collection method: clinical testing. Allele origin: germline. Affected: yes. Observed: 3 variant alleles.
Comment: RFXANK: PVS1, PM2, PM3

First Genomix Gene Laboratory, Genetic Diagnostics Department
Classification: Pathogenic for MHC class II deficiency 2. Last evaluated: 2025-06-04. Review status: criteria provided, single submitter. Criteria: ACMG Guidelines, 2015. Collection method: clinical testing. Allele origin: germline. Inheritance: Autosomal recessive inheritance. Affected: no.

PreventionGenetics, part of Exact Sciences
Classification: Pathogenic for RFXANK-related condition. Last evaluated: 2025-03-06. Review status: criteria provided, single submitter. Criteria: ACMG Guidelines, 2015. Collection method: clinical testing. Allele origin: germline.
Comment: The RFXANK c.338-25_338del26 variant is predicted to result in a deletion affecting a canonical splice site. This variant, also known as I5E6-25_I5E6+1, has previously been reported to be causative for MHC-II deficiency (see for examples: Masternak et al. 1998. PubMed ID: 9806546; Ben-Mustapha et al. 2013. PubMed ID: 23314770). This variant is reported in 0.023% of alleles in individuals of Latino descent in gnomAD. This variant is interpreted as pathogenic.

Baylor Genetics
Classification: Pathogenic for MHC class II deficiency 1. Last evaluated: 2024-02-24. Review status: criteria provided, single submitter. Criteria: ACMG Guidelines, 2015. Collection method: clinical testing. Allele origin: unknown.

Blueprint Genetics
Classification: Pathogenic for RFXANK-related disorders. Last evaluated: 2024-01-29. Review status: criteria provided, single submitter. Criteria: ACMG Guidelines, 2015. Collection method: clinical testing. Allele origin: germline. Affected: yes. Observed: 4 variant alleles.

Women's Health and Genetics/Laboratory Corporation of America, LabCorp
Classification: Pathogenic for MHC class II deficiency. Last evaluated: 2022-09-16. Review status: criteria provided, single submitter. Criteria: LabCorp Variant Classification Summary - May 2015. Collection method: clinical testing. Allele origin: germline.
Comment: Variant summary: RFXANK c.338-25_338del26 is located in a canonical splice-site and is predicted to affect mRNA splicing resulting in a significantly altered protein due to either exon skipping, shortening, or inclusion of intronic material. Several computational tools predict a significant impact on normal splicing: four predict the variant abolishes a 3 prime acceptor site. At least one publication reports experimental evidence that this variant may affect mRNA splicing. The variant allele was found at a frequency of 3.3e-05 in 243934 control chromosomes. c.338-25_338del26 has been reported in the literature in multiple individuals affected with Bare Lymphocyte Syndrome 2 - RFXANK Related. These data indicate that the variant is very likely to be associated with disease. One clinical diagnostic laboratory has submitted clinical-significance assessments for this variant to ClinVar after 2014 without evidence for independent evaluation and classified the variant as pathogenic. Based on the evidence outlined above, the variant was classified as pathogenic.

OMIM
Classification: Pathogenic for MHC CLASS II DEFICIENCY 2. Last evaluated: 2000-04-01. Review status: no assertion criteria provided. Collection method: literature only. Allele origin: germline. Not counted in ClinVar's aggregate classification.

Literature cited by the submitters: PubMed 16199547 (cited by Labcorp Genetics (formerly Invitae), Labcorp); PubMed 10803838 (cited by Labcorp Genetics (formerly Invitae), Labcorp and OMIM); PubMed 16166641 (cited by Labcorp Genetics (formerly Invitae), Labcorp); PubMed 21908431 (cited by Labcorp Genetics (formerly Invitae), Labcorp); PubMed 22524894 (cited by Labcorp Genetics (formerly Invitae), Labcorp); PubMed 22863278 (cited by Labcorp Genetics (formerly Invitae), Labcorp); PubMed 9806546 (cited by Women's Health and Genetics/Laboratory Corporation of America, LabCorp and OMIM); PubMed 7951244 (cited by OMIM); PubMed 8229525 (cited by OMIM).